The following is an entry in ClinVar:

NM_000836.4(GRIN2D):c.221C>T (p.Ala74Val)

Gene: GRIN2D (glutamate ionotropic receptor NMDA type subunit 2D; plus strand). Cytogenetic location: 19q13.33.
Variant type: single nucleotide variant.
Coding change: c.221C>T on transcript NM_000836.4 (MANE Select); coding-DNA position 221, C replaced by T.
Protein change: p.Ala74Val; replaces alanine 74 with valine.
Molecular consequence: missense variant.
Genome position (GRCh38, 1-based): chr19:48,398,613, C>T. VCF-style: chr19-48398613-C-T. GRCh37 (hg19) VCF-style: chr19-48901870-C-T.
Other names: short protein forms A74V.
Identifiers: ClinVar variation 3622494 (VCV003622494.2).

ClinVar aggregate classification (germline): Uncertain significance (1 of 4 stars; one submission).

Submission:

Labcorp Genetics (formerly Invitae), Labcorp
Classification: Uncertain significance. Last evaluated: 2024-04-06. Review status: criteria provided, single submitter. Criteria: Invitae Variant Classification Sherloc (09022015). Collection method: clinical testing. Allele origin: germline.
Comment: This sequence change replaces alanine, which is neutral and non-polar, with valine, which is neutral and non-polar, at codon 74 of the GRIN2D protein (p.Ala74Val). The frequency data for this variant in the population databases is considered unreliable, as metrics indicate insufficient coverage at this position in the gnomAD database. This variant has not been reported in the literature in individuals affected with GRIN2D-related conditions. Advanced modeling of protein sequence and biophysical properties (such as structural, functional, and spatial information, amino acid conservation, physicochemical variation, residue mobility, and thermodynamic stability) performed at Invitae indicates that this missense variant is not expected to disrupt GRIN2D protein function with a negative predictive value of 80%. In summary, the available evidence is currently insufficient to determine the role of this variant in disease. Therefore, it has been classified as a Variant of Uncertain Significance.